The following is an entry in ClinVar:

ClinVar aggregate classification (germline): Pathogenic. Review status: criteria provided, multiple submitters, no conflicts (2 of 4 stars). 11 submissions from 11 submitters: Pathogenic (10). 1 of the submissions does not count toward it. Last evaluated 2026-01-13.

Conditions:
Cardiovascular phenotype. Identifiers: MedGen CN230736.
Familial hypercholesterolemia. Also called: Familial hypercholesterolemias; Familial hypercholesterolaemia. Identifiers: MedGen C0020445, MONDO:0005439.
Hypercholesterolemia, familial, 4 (FHCL4). Also called: HYPERCHOLESTEROLEMIA, AUTOSOMAL RECESSIVE, 1; HYPERCHOLESTEROLEMIA, AUTOSOMAL RECESSIVE, 2. Identifiers: Orphanet 391665, MedGen C1863512, MONDO:0011374, OMIM 603813.

Submissions (11):

Labcorp Genetics (formerly Invitae), Labcorp
Classification: Pathogenic for Hypercholesterolemia, familial, 4. Last evaluated: 2026-01-13. Review status: criteria provided, single submitter. Criteria: Invitae Variant Classification Sherloc (09022015). Collection method: clinical testing. Allele origin: germline.
Comment: This sequence change creates a premature translational stop signal (p.Ser202Leufs*19) in the LDLRAP1 gene. It is expected to result in an absent or disrupted protein product. Loss-of-function variants in LDLRAP1 are known to be pathogenic (PMID: 11326085, 12464675). The frequency data for this variant in the population databases is considered unreliable, as metrics indicate poor data quality at this position in the gnomAD database. This premature translational stop signal has been observed in individual(s) with hypercholesterolemia (PMID: 12464675, 12788851, 21872251, 22157599). It has also been observed to segregate with disease in related individuals. This variant is also known as insC620. ClinVar contains an entry for this variant (Variation ID: 4781). For these reasons, this variant has been classified as Pathogenic.

Ambry Genetics
Classification: Pathogenic for Cardiovascular phenotype. Last evaluated: 2025-12-10. Review status: criteria provided, single submitter. Criteria: Ambry Variant Classification Scheme 2023. Collection method: clinical testing. Allele origin: germline.
Comment: The c.603dupC pathogenic mutation, located in coding exon 6 of the LDLRAP1 gene, results from a duplication of C at nucleotide position 603, causing a translational frameshift with a predicted alternate stop codon (p.S202Lfs*19). This variant has been identified in the homozygous state and/or in conjunction with other LDLRAP1 variant(s) in individual(s) with features consistent with autosomal recessive familial hypercholesterolemia (Eden ER et al. J Clin Invest, 2002 Dec;110:1695-702; S&aacute;nchez-Hern&aacute;ndez RM et al. Atherosclerosis, 2018 Feb;269:1-5). Note, this variant is also referred to as insC620 in the literature. This variant is considered to be rare based on population cohorts in the Genome Aggregation Database (gnomAD). This alteration is expected to result in loss of function by premature protein truncation or nonsense-mediated mRNA decay. As such, this alteration is interpreted as a disease-causing mutation.

Natera, Inc.
Classification: Pathogenic for Familial hypercholesterolemia. Last evaluated: 2025-08-26. Review status: criteria provided, single submitter. Criteria: Natera Variant Classification Schema (03/2026). Collection method: clinical testing. Allele origin: germline.
Comment: The c.603dupC variant in LDLRAP1 is a frameshift variant predicted to shift the reading frame beginning at codon 202 and leads to a stop codon 19 codons downstream. This variant is expected to result in nonsense mediated decay, truncation, or a dysfunctional protein product. This variant is rare in the general population with a frequency below the threshold expected for the associated phenotype(s). This variant has been observed in one or more individuals affected with the associated recessive disease, as either homozygous or compound heterozygous with a second variant (PMID: 22157599). Given the available evidence, this variant is classified as Pathogenic.

Cambridge Genomics Laboratory, East Genomic Laboratory Hub, NHS Genomic Medicine Service
Classification: Pathogenic for Familial hypercholesterolaemia. Last evaluated: 2025-07-21. Review status: criteria provided, single submitter. Criteria: ACGS Best Practice Guidelines for Variant Classification in Rare Disease 2020. Collection method: clinical testing. Allele origin: germline. Affected: yes.
Comment: Omim Condition: hypercholesterolemia, familial, 4 (AR); Confidence: Medium Zygosity: Heterozygous Population Frequencies: 0.003% (Hom 0) Internal Occurrences: 1 (Hom 0) Prediction tools: Aggregated Prediction: Benign (0.05), SpliceAI: Benign (0.03) ClinVar evidence: This variant has previously been described in ClinVar (VCV4781) with the following classifications: P (8); ACMG Rules: PM2 (Moderate); PVS1 (Very Strong); PP5 (No Influence); PM3 (Very Strong);

Women's Health and Genetics/Laboratory Corporation of America, LabCorp
Classification: Pathogenic for Familial hypercholesterolemia. Last evaluated: 2025-06-27. Review status: criteria provided, single submitter. Criteria: LabCorp Variant Classification Summary - May 2015. Collection method: clinical testing. Allele origin: germline.
Comment: Variant summary: LDLRAP1 c.603dupC (p.Ser202LeufsX19) results in a premature termination codon, predicted to cause a truncation of the encoded protein or absence of the protein due to nonsense mediated decay, which are commonly known mechanisms for disease. The frequency data for this variant in gnomAD is considered unreliable, as metrics indicate poor data quality at this position. c.603dupC has been observed in individual(s) affected with Familial Hypercholesterolemia (example: Harada-Shiba_2003) . These data indicate that the variant is likely to be associated with disease. The following publication has been ascertained in the context of this evaluation (PMID: 12788851). ClinVar contains an entry for this variant (Variation ID: 4781). Based on the evidence outlined above, the variant was classified as pathogenic.

Genomic Medicine Center of Excellence, King Faisal Specialist Hospital and Research Centre
Classification: Pathogenic for Hypercholesterolemia, familial, 4. Last evaluated: 2024-03-26. Review status: criteria provided, single submitter. Criteria: ACMG Guidelines, 2015. Collection method: clinical testing. Allele origin: germline.

Revvity Omics, Revvity
Classification: Pathogenic for Hypercholesterolemia, familial, 4. Last evaluated: 2023-07-21. Review status: criteria provided, single submitter. Criteria: ACMG Guidelines, 2015. Collection method: clinical testing. Allele origin: germline.

Genome-Nilou Lab
Classification: Pathogenic for Hypercholesterolemia, familial, 4. Last evaluated: 2023-04-11. Review status: criteria provided, single submitter. Criteria: ACMG Guidelines, 2015. Collection method: clinical testing. Allele origin: germline. Affected: no.

Fulgent Genetics
Classification: Pathogenic for Hypercholesterolemia, familial, 4. Last evaluated: 2022-05-23. Review status: criteria provided, single submitter. Criteria: ACMG Guidelines, 2015. Collection method: clinical testing. Allele origin: unknown.

AiLife Diagnostics
Classification: Pathogenic. Last evaluated: 2021-12-10. Review status: criteria provided, single submitter. Criteria: ACMG Guidelines, 2015. Collection method: clinical testing. Allele origin: germline. Affected: yes. Observed: 1 variant allele.

OMIM
Classification: Pathogenic for HYPERCHOLESTEROLEMIA, FAMILIAL, 4, AUTOSOMAL RECESSIVE. Last evaluated: 2003-06-01. Review status: no assertion criteria provided. Collection method: literature only. Allele origin: germline. Not counted in ClinVar's aggregate classification.

Literature cited by the submitters: PubMed 11326085 (cited by Labcorp Genetics (formerly Invitae), Labcorp); PubMed 12464675 (cited by 3 submitters); PubMed 12788851 (cited by 4 submitters); PubMed 21872251 (cited by Labcorp Genetics (formerly Invitae), Labcorp and AiLife Diagnostics); PubMed 22157599 (cited by 3 submitters); PubMed 29245109 (cited by Ambry Genetics and AiLife Diagnostics); PubMed 28965616 (cited by AiLife Diagnostics); PubMed 34037665 (cited by AiLife Diagnostics).

NM_015627.3(LDLRAP1):c.603dup (p.Ser202fs)

Gene: LDLRAP1 (low density lipoprotein receptor adaptor protein 1; plus strand). Cytogenetic location: 1p36.11.
Variant type: Duplication.
Coding change: c.603dup on transcript NM_015627.3 (MANE Select); coding-DNA position 603, one base duplicated (C; older notation c.603dupC).
Protein change: p.Ser202fs; shifts the reading frame from serine 202.
Molecular consequence: frameshift variant.
Genome position (GRCh38, 1-based): chr1:25,563,140, C duplicated; the last of 5 consecutive C bases (chr1:25,563,136-25,563,140); duplicating any one gives the same sequence. VCF-style (leftmost placement, unchanged base first): chr1-25563135-A-AC. GRCh37 (hg19) VCF-style: chr1-25889626-A-AC.
Other names: c.603dupC (NM_015627.2, NM_015627.3); short protein forms S202fs.
Identifiers: ClinVar variation 4781 (VCV000004781.23), dbSNP rs781585299, ClinGen allele CA695637.